The following is an entry in ClinVar:

NM_001849.4(COL6A2):c.1672-257T>C

Gene: COL6A2 (collagen type VI alpha 2 chain; plus strand). Cytogenetic location: 21q22.3.
Variant type: single nucleotide variant.
Coding change: c.1672-257T>C on transcript NM_001849.4 (MANE Select); 257 bases into the intron before coding-DNA position 1672, T replaced by C.
Molecular consequence: intron variant.
Genome position (GRCh38, 1-based): chr21:46,124,394, T>C. VCF-style: chr21-46124394-T-C. GRCh37 (hg19) VCF-style: chr21-47544308-T-C.
Other names: c.1672-257T>C (NM_058175.3, NM_058174.3).
Identifiers: ClinVar variation 668105 (VCV000668105.1), dbSNP rs2839111, ClinGen allele CA15985494.

ClinVar aggregate classification (germline): Benign (1 of 4 stars; one submission).

Allele frequency attached by ClinVar (database versions not stated): 1000 Genomes Project 30x 0.79435; 1000 Genomes Project 0.79473; gnomAD 0.80751 and 0.81112; TOPMed 0.81838.
gnomAD v4.1: 122,916 of 152,104 alleles (81%); highest among the groups gnomAD compares: East Asian, 88%; 49,816 homozygotes.

Submission:

GeneDx
Classification: Benign. Last evaluated: 2018-06-18. Review status: criteria provided, single submitter. Criteria: GeneDx Variant Classification (06012015). Collection method: clinical testing. Allele origin: germline. Affected: yes.
Comment: This variant is considered likely benign or benign based on one or more of the following criteria: it is a conservative change, it occurs at a poorly conserved position in the protein, it is predicted to be benign by multiple in silico algorithms, and/or has population frequency not consistent with disease.